The following is an entry in ClinVar:

NM_000271.5(NPC1):c.1204_1205delinsGC (p.Phe402Ala)

Gene: NPC1 (NPC intracellular cholesterol transporter 1; minus strand). Cytogenetic location: 18q11.2.
Variant type: Indel.
Coding change: c.1204_1205delinsGC on transcript NM_000271.5 (MANE Select); coding-DNA positions 1204 to 1205, TT replaced by GC.
Protein change: p.Phe402Ala; replaces phenylalanine 402 with alanine.
Molecular consequence: missense variant.
Genome position (GRCh38, 1-based): chr18:23,556,364-23,556,365, AA replaced by GC on the plus strand (TT replaced by GC on the coding strand, the reverse complement: NPC1 is on the minus strand). VCF-style: chr18-23556364-AA-GC. GRCh37 (hg19) VCF-style: chr18-21136328-AA-GC.
Other names: short protein forms F402A.
Identifiers: ClinVar variation 3251529 (VCV003251529.1), dbSNP rs2511283065.

ClinVar aggregate classification (germline): Uncertain significance (1 of 4 stars; one submission).

Submission:

Women's Health and Genetics/Laboratory Corporation of America, LabCorp
Classification: Uncertain significance. Last evaluated: 2024-04-04. Review status: criteria provided, single submitter. Criteria: LabCorp Variant Classification Summary - May 2015. Collection method: clinical testing. Allele origin: germline.
Comment: Variant summary: NPC1 c.1204_1205delinsGC (p.Phe402Ala) results in a non-conservative amino acid change in the encoded protein sequence. One of two in-silico tools predict a benign effect of the variant on protein function. The variant allele was found at a frequency of 2.1e-06 in 1461870 control chromosomes. The available data on variant occurrences in the general population are insufficient to allow any conclusion about variant significance. c.1204_1205delinsGC has been reported in the literature as a compound heterozygous genotype without specification of the co-occuring allele in trans in at-least three individuals affected with adult onset Niemann-Pick Disease Type C (example, Kresojevi_2022). These report(s) do not provide unequivocal conclusions about association of the variant with Niemann-Pick Disease Type C. To our knowledge, no experimental evidence demonstrating an impact on protein function has been reported. The following publication has been ascertained in the context of this evaluation (PMID: 34993563). No submitters have cited clinical-significance assessments for this variant to ClinVar. Based on the evidence outlined above, the variant was classified as uncertain significance.

Literature cited by the submitters: PubMed 34993563.